The following is an entry in ClinVar:

ClinVar aggregate classification (germline): Conflicting classifications of pathogenicity. Review status: criteria provided, conflicting classifications (1 of 4 stars). 3 submissions from 3 submitters: Uncertain significance (2); Likely benign (1). Last evaluated 2025-05-30.

Conditions:
CREBBP-related disorder. Also called: CREBBP-related disorders; CREBBP-related condition.
Inborn genetic diseases. Identifiers: MedGen C0950123, MeSH D030342.
Rubinstein-Taybi syndrome (RSTS). Identifiers: Orphanet 783, MedGen C0035934, MONDO:0019188.

Allele frequency attached by ClinVar (database versions not stated): TOPMed below 0.00001; ExAC 0.00001; gnomAD 0.00001; gnomAD exomes 0.00001.
gnomAD v4.1: 8 of 1,614,126 alleles (0.0005%); highest among the groups gnomAD compares: Non-Finnish European, 0.00025%; no homozygotes.

Submissions (3):

Labcorp Genetics (formerly Invitae), Labcorp
Classification: Likely benign for Rubinstein-Taybi syndrome. Last evaluated: 2025-05-30. Review status: criteria provided, single submitter. Criteria: Invitae Variant Classification Sherloc (09022015). Collection method: clinical testing. Allele origin: germline.

PreventionGenetics, part of Exact Sciences
Classification: Uncertain significance for CREBBP-related condition. Last evaluated: 2025-03-05. Review status: criteria provided, single submitter. Criteria: ACMG Guidelines, 2015. Collection method: clinical testing. Allele origin: germline.
Comment: The CREBBP c.3149A>G variant is predicted to result in the amino acid substitution p.Glu1050Gly. To our knowledge, this variant has not been reported in the literature. This variant is reported in 0.00088% of alleles in individuals of European (Non-Finnish) descent in gnomAD. At this time, the clinical significance of this variant is uncertain due to the absence of conclusive functional and genetic evidence.

Ambry Genetics
Classification: Uncertain significance for Inborn genetic diseases. Last evaluated: 2021-10-12. Review status: criteria provided, single submitter. Criteria: Ambry Variant Classification Scheme 2023. Collection method: clinical testing. Allele origin: germline.

NM_004380.3(CREBBP):c.3149A>G (p.Glu1050Gly)

Gene: CREBBP (CREB binding lysine acetyltransferase; minus strand). Cytogenetic location: 16p13.3.
Variant type: single nucleotide variant.
Coding change: c.3149A>G on transcript NM_004380.3 (MANE Select); coding-DNA position 3149, A replaced by G.
Protein change: p.Glu1050Gly; replaces glutamic acid 1050 with glycine.
Molecular consequence: missense variant.
Genome position (GRCh38, 1-based): chr16:3,767,821, T>C on the plus strand (A>G on the coding strand, the complement: CREBBP is on the minus strand). VCF-style: chr16-3767821-T-C. GRCh37 (hg19) VCF-style: chr16-3817822-T-C.
Other names: c.3035A>G, p.Glu1012Gly (NM_001079846.1); short protein forms E1012G, E1050G.
Identifiers: ClinVar variation 2255272 (VCV002255272.4), dbSNP rs765578870, ClinGen allele CA7869916.